The following is an entry in ClinVar:

ClinVar aggregate classification (germline): Uncertain significance. Review status: criteria provided, multiple submitters, no conflicts (2 of 4 stars). 2 submissions from 2 submitters: Uncertain significance (2). Last evaluated 2023-12-19.

Conditions:
Familial thoracic aortic aneurysm and aortic dissection (TAAD). Also called: Thoracic aortic aneurysms and dissections. Identifiers: Orphanet 91387, MedGen C4707243, MONDO:0019625.
Marfan syndrome (MFS). Also called: Marfan syndrome, classic; Marfan syndrome type 1; Marfan's syndrome; FBN1-Related Marfan Syndrome; MARFAN SYNDROME, TYPE I. Identifiers: Orphanet 284963, Orphanet 558, MedGen C0024796, MONDO:0007947, OMIM 154700.

Submissions (2):

Labcorp Genetics (formerly Invitae), Labcorp
Classification: Uncertain significance for Marfan syndrome; Familial thoracic aortic aneurysm and aortic dissection. Last evaluated: 2023-12-19. Review status: criteria provided, single submitter. Criteria: Invitae Variant Classification Sherloc (09022015). Collection method: clinical testing. Allele origin: germline.
Comment: This sequence change replaces isoleucine, which is neutral and non-polar, with leucine, which is neutral and non-polar, at codon 353 of the FBN1 protein (p.Ile353Leu). This variant is not present in population databases (gnomAD no frequency). This variant has not been reported in the literature in individuals affected with FBN1-related conditions. ClinVar contains an entry for this variant (Variation ID: 926390). Advanced modeling of protein sequence and biophysical properties (such as structural, functional, and spatial information, amino acid conservation, physicochemical variation, residue mobility, and thermodynamic stability) performed at Invitae indicates that this missense variant is not expected to disrupt FBN1 protein function with a negative predictive value of 95%. In summary, the available evidence is currently insufficient to determine the role of this variant in disease. Therefore, it has been classified as a Variant of Uncertain Significance.

Color Diagnostics, LLC DBA Color Health
Classification: Uncertain significance for Familial thoracic aortic aneurysm and aortic dissection. Last evaluated: 2023-12-04. Review status: criteria provided, single submitter. Criteria: ACMG Guidelines, 2015. Collection method: clinical testing. Allele origin: germline.
Comment: This missense variant replaces isoleucine with leucine at codon 353 of the FBN1 protein. Computational prediction suggests that this variant may not impact protein structure and function (internally defined REVEL score threshold <= 0.5, PMID: 27666373). To our knowledge, functional studies have not been reported for this variant. This variant has not been reported in individuals affected with FBN1-related disorders in the literature. This variant has not been identified in the general population by the Genome Aggregation Database (gnomAD). The available evidence is insufficient to determine the role of this variant in disease conclusively. Therefore, this variant is classified as a Variant of Uncertain Significance.

NM_000138.5(FBN1):c.1057A>T (p.Ile353Leu)

Genes: FBN1 (fibrillin 1; minus strand), LOC113939944 (Sharpr-MPRA regulatory region 9539; plus strand). Cytogenetic location: 15q21.1.
Variant type: single nucleotide variant.
Coding change: c.1057A>T on transcript NM_000138.5 (MANE Select); coding-DNA position 1057, A replaced by T.
Protein change: p.Ile353Leu; replaces isoleucine 353 with leucine.
Molecular consequence: missense variant.
Genome position (GRCh38, 1-based): chr15:48,520,749, T>A on the plus strand (A>T on the coding strand, the complement: FBN1 is on the minus strand). VCF-style: chr15-48520749-T-A. GRCh37 (hg19) VCF-style: chr15-48812946-T-A.
Other names: short protein forms I353L.
Identifiers: ClinVar variation 926390 (VCV000926390.7), dbSNP rs750653834, ClinGen allele CA392347713.